The following is an entry in ClinVar:

ClinVar aggregate classification (germline): Likely benign (1 of 4 stars; one submission).

Submission:

CeGaT Center for Human Genetics Tuebingen
Classification: Likely benign. Last evaluated: 2023-09-01. Review status: criteria provided, single submitter. Criteria: CeGaT Center For Human Genetics Tuebingen Variant Classification Criteria Version 2. Collection method: clinical testing. Allele origin: germline. Affected: yes. Observed: 1 variant allele.
Comment: MAGEL2: PM2:Supporting, BP4, BP7

NM_019066.5(MAGEL2):c.2025G>C (p.Ala675=)

Gene: MAGEL2 (MAGE family member L2; minus strand). Cytogenetic location: 15q11.2.
Variant type: single nucleotide variant.
Coding change: c.2025G>C on transcript NM_019066.5 (MANE Select); coding-DNA position 2025, G replaced by C.
Protein change: p.Ala675=; no amino-acid change (alanine 675 retained).
Molecular consequence: synonymous variant.
Genome position (GRCh38, 1-based): chr15:23,645,718, C>G on the plus strand (G>C on the coding strand, the complement: MAGEL2 is on the minus strand). VCF-style: chr15-23645718-C-G. GRCh37 (hg19) VCF-style: chr15-23890865-C-G.
Identifiers: ClinVar variation 2644986 (VCV002644986.24), dbSNP rs1180033347, ClinGen allele CA489228931.